The following is an entry in ClinVar:

ClinVar aggregate classification (germline): Likely benign (0 of 4 stars; one submission).

Conditions:
HK2-related disorder. Also called: HK2-related condition.

gnomAD v4.1: 3 of 1,614,156 alleles (0.00019%); highest among the groups gnomAD compares: Admixed American, 0.0017%; no homozygotes.

Submission:

PreventionGenetics, part of Exact Sciences
Classification: Likely benign for HK2-related condition. Last evaluated: 2019-05-09. Review status: no assertion criteria provided. Collection method: clinical testing. Allele origin: germline.
Comment: This variant is classified as likely benign based on ACMG/AMP sequence variant interpretation guidelines (Richards et al. 2015 PMID: 25741868, with internal and published modifications).

NM_000189.5(HK2):c.1689G>T (p.Pro563=)

Gene: HK2 (hexokinase 2; plus strand). Cytogenetic location: 2p12.
Variant type: single nucleotide variant.
Coding change: c.1689G>T on transcript NM_000189.5 (MANE Select); coding-DNA position 1689, G replaced by T.
Protein change: p.Pro563=; no amino-acid change (proline 563 retained).
Molecular consequence: synonymous variant.
Genome position (GRCh38, 1-based): chr2:74,881,829, G>T. VCF-style: chr2-74881829-G-T. GRCh37 (hg19) VCF-style: chr2-75108956-G-T.
Other names: c.1605G>T, p.Pro535= (NM_001371525.2).
Identifiers: ClinVar variation 3037241 (VCV003037241.2), dbSNP rs769749367, ClinGen allele CA426876708.
Genomic context (GRCh38, chr2:74,881,829, plus strand): 5'-CCGTGTTCGGAATGGGAAGTGGGGTGGAGTGGAGATGCACAACAAGATCTACGCCATCCC[G>T]CAGGAGGTCATGCACGGCACCGGGGACGAGGTGAGCAGGGCGGCGCCTTCAGGAGGGGGC-3'
Protein context (NP_000180.2, residues 553-573): VEMHNKIYAI[Pro563=]QEVMHGTGDE